The following is an entry in ClinVar:

ClinVar aggregate classification (germline): Uncertain significance. Review status: criteria provided, multiple submitters, no conflicts (2 of 4 stars). 2 submissions from 2 submitters: Uncertain significance (2). Last evaluated 2025-04-09.

Conditions:
Cardiovascular phenotype. Identifiers: MedGen CN230736.

gnomAD v4.1: 18 of 1,612,992 alleles (0.0011%); highest among the groups gnomAD compares: Non-Finnish European, 0.0015%; no homozygotes.

Submissions (2):

Molecular Diagnostic Laboratory for Inherited Cardiovascular Disease, Montreal Heart Institute
Classification: Uncertain significance for Cardiovascular phenotype. Last evaluated: 2025-04-09. Review status: criteria provided, single submitter. Criteria: ACMG Guidelines, 2015. Collection method: clinical testing. Allele origin: germline. Affected: yes.

GeneDx
Classification: Uncertain significance. Last evaluated: 2022-10-04. Review status: criteria provided, single submitter. Criteria: GeneDx Variant Classification Process June 2021. Collection method: clinical testing. Allele origin: germline. Affected: yes.
Comment: Has not been previously published as pathogenic or benign to our knowledge; Not observed at significant frequency in large population cohorts (gnomAD); Nonsense variant predicted to result in protein truncation or nonsense mediated decay in a gene for which loss of function is not a known mechanism of disease

NM_000257.4(MYH7):c.4233C>A (p.Cys1411Ter)

Gene: MYH7 (myosin heavy chain 7; minus strand). Cytogenetic location: 14q11.2.
Variant type: single nucleotide variant.
Coding change: c.4233C>A on transcript NM_000257.4 (MANE Select); coding-DNA position 4233, C replaced by A.
Protein change: p.Cys1411Ter; replaces cysteine 1411 with a stop codon.
Molecular consequence: nonsense.
Genome position (GRCh38, 1-based): chr14:23,417,623, G>T on the plus strand (C>A on the coding strand, the complement: MYH7 is on the minus strand). VCF-style: chr14-23417623-G-T. GRCh37 (hg19) VCF-style: chr14-23886832-G-T.
Other names: c.4233C>A, p.Cys1411Ter (NM_001407004.1); c.4233C>A (NM_000257.3); short protein forms C1411*.
Identifiers: ClinVar variation 2497805 (VCV002497805.2), dbSNP rs2502251992, ClinGen allele CA389040408.